The following is an entry in ClinVar:

ClinVar aggregate classification (germline): Uncertain significance. Review status: criteria provided, multiple submitters, no conflicts (2 of 4 stars). 2 submissions from 2 submitters: Uncertain significance (2). Last evaluated 2024-03-27.

Conditions:
Seizures, benign familial infantile, 5 (BFIS5). Also called: CONVULSIONS, BENIGN FAMILIAL INFANTILE, 5. Identifiers: Orphanet 306, MedGen C4310728, MONDO:0014903, OMIM 617080.

Submissions (2):

GeneDx
Classification: Uncertain significance. Last evaluated: 2024-03-27. Review status: criteria provided, single submitter. Criteria: GeneDx Variant Classification Process June 2021. Collection method: clinical testing. Allele origin: germline. Affected: yes.
Comment: Not observed at significant frequency in large population cohorts (gnomAD); In silico analysis supports that this missense variant has a deleterious effect on protein structure/function; Has not been previously published as pathogenic or benign to our knowledge; This substitution is predicted to be within the intracellular loop between the S2 and S3 transmembrane segments of the first homologous domain.

Baylor Genetics
Classification: Uncertain significance for Seizures, benign familial infantile, 5. Last evaluated: 2020-10-02. Review status: criteria provided, single submitter. Criteria: ACMG Guidelines, 2015. Collection method: clinical testing. Allele origin: unknown. Affected: yes.
Comment: This variant was determined to be of uncertain significance according to ACMG Guidelines, 2015 [PMID:25741868].

NM_001330260.2(SCN8A):c.548G>C (p.Cys183Ser)

Gene: SCN8A (sodium voltage-gated channel alpha subunit 8; plus strand). Cytogenetic location: 12q13.13.
Variant type: single nucleotide variant.
Coding change: c.548G>C on transcript NM_001330260.2 (MANE Select); coding-DNA position 548, G replaced by C.
Protein change: p.Cys183Ser; replaces cysteine 183 with serine.
Molecular consequence: missense variant.
Genome position (GRCh38, 1-based): chr12:51,687,153, G>C. VCF-style: chr12-51687153-G-C. GRCh37 (hg19) VCF-style: chr12-52080937-G-C.
Other names: c.548G>C, p.Cys183Ser (NM_001177984.3, NM_001369788.1, NM_014191.4); short protein forms C183S.
Identifiers: ClinVar variation 1029254 (VCV001029254.2), dbSNP rs1941432230, ClinGen allele CA385222427.